The following is an entry in ClinVar:

ClinVar aggregate classification (germline): Uncertain significance (1 of 4 stars; one submission).

Submission:

GeneDx
Classification: Uncertain significance. Last evaluated: 2026-02-11. Review status: criteria provided, single submitter. Criteria: GeneDx Variant Classification Process June 2021. Collection method: clinical testing. Allele origin: germline.
Comment: Not observed at significant frequency in large population cohorts (gnomAD); In silico analysis suggests that this missense variant does not alter protein structure/function; Has not been previously published as pathogenic or benign to our knowledge

NM_145690.3(YWHAZ):c.73T>A (p.Cys25Ser)

Gene: YWHAZ (tyrosine 3-monooxygenase/tryptophan 5-monooxygenase activation protein zeta; minus strand). Cytogenetic location: 8q22.3.
Variant type: single nucleotide variant.
Coding change: c.73T>A on transcript NM_145690.3 (MANE Select); coding-DNA position 73, T replaced by A.
Protein change: p.Cys25Ser; replaces cysteine 25 with serine.
Molecular consequence: missense variant.
Genome position (GRCh38, 1-based): chr8:100,948,817, A>T on the plus strand (T>A on the coding strand, the complement: YWHAZ is on the minus strand). VCF-style: chr8-100948817-A-T. GRCh37 (hg19) VCF-style: chr8-101961045-A-T.
Other names: c.73T>A, p.Cys25Ser (NM_001135699.2, NM_001135700.2, NM_001135701.2 and 2 more transcripts); short protein forms C25S.
Identifiers: ClinVar variation 4528078 (VCV004528078.2).
Genomic context (GRCh38, chr8:100,948,817, plus strand): 5'-AGAGAAGATTCCTCTCCTCATTGGATAATTCAGCTCCTTGCTCAGTTACAGACTTCATGC[A>T]GGCTGCCATGTCATCATATCGCTCAGCCTGCTCGGCCAGTTTGGCCTTCTGAACCAGCTC-3'
Protein context (NP_663723.1, residues 15-35): QAERYDDMAA[Cys25Ser]MKSVTEQGAE